The following is an entry in ClinVar:

ClinVar aggregate classification (germline): Conflicting classifications of pathogenicity. Review status: criteria provided, conflicting classifications (1 of 4 stars). 13 submissions from 13 submitters: Uncertain significance (8); Likely benign (3). 2 of the submissions do not count toward it. Last evaluated 2025-12-09.

Conditions:
Hereditary cancer. Identifiers: MedGen C1333600.
BRCA2-related cancer predisposition. Identifiers: MedGen CN377758, MONDO:0700269.
Wilms tumor 1 (WT1). Also called: Wilms tumor, somatic. Identifiers: Orphanet 654, MedGen CN033288, MONDO:0008679, OMIM 194070.
Prostate cancer. Also called: Malignant tumor of prostate. Identifiers: Orphanet 1331, MedGen C0376358, MONDO:0008315, HP:0012125.
Familial cancer of breast. Also called: BREAST CANCER, FAMILIAL; Hereditary breast cancer; hereditary breast carcinoma. Identifiers: Orphanet 227535, MedGen C0346153, MONDO:0016419, OMIM 114480. Disease mechanism: loss of function.
Fanconi anemia complementation group D1. Also called: BRCA2-Related Fanconi Anemia. Identifiers: Orphanet 319462, MedGen C1838457, MONDO:0011584, OMIM 605724.
Medulloblastoma (MDB). Also called: Medulloblastoma, somatic; MEDULLOBLASTOMA PREDISPOSITION SYNDROME. Identifiers: Orphanet 616, MedGen C0025149, MeSH D008527, MONDO:0007959, OMIM 155255, HP:0002885.
Breast-ovarian cancer, familial, susceptibility to, 2 (BROVCA2). Also called: BRCA2 Hereditary Breast and Ovarian Cancer. Identifiers: Orphanet 145, MedGen C2675520, MONDO:0012933, OMIM 612555. Disease mechanism: loss of function.
Pancreatic cancer, susceptibility to, 2. Identifiers: Orphanet 1333, MedGen C3150546, MONDO:0013235, OMIM 613347.
Glioma susceptibility 3 (GLM3). Also called: Glioblastoma 3. Identifiers: Orphanet 182067, Orphanet 360, MedGen C2751641, MONDO:0013093, OMIM 613029.
Esophageal atresia/tracheoesophageal fistula. Also called: TRACHEOESOPHAGEAL FISTULA WITH OR WITHOUT ESOPHAGEAL ATRESIA; Tracheoesophageal fistula. Identifiers: Orphanet 1199, MedGen C0040588, MeSH D014138, MONDO:0008586, OMIM 189960, HP:0002575.
Hereditary cancer-predisposing syndrome. Also called: Hereditary Cancer Syndrome; Tumor predisposition; Hereditary neoplastic syndrome; Neoplastic Syndromes, Hereditary. Identifiers: Orphanet 140162, MedGen C0027672, MeSH D009386, MONDO:0015356.
Hereditary breast ovarian cancer syndrome. Also called: Hereditary breast and/or ovarian cancer syndrome; Hereditary breast and ovarian cancer syndrome; Hereditary breast and ovarian cancer syndrome (HBOC); Hereditary breast and ovarian cancer; Breast and ovarian cancer; BRCA1- and BRCA2-Associated Hereditary Breast and Ovarian Cancer. Identifiers: Orphanet 145, MedGen C0677776, MeSH D061325, MONDO:0003582. Disease mechanism: loss of function.

Allele frequency attached by ClinVar (database versions not stated): gnomAD 0.00001.
gnomAD v4.1: 12 of 1,611,172 alleles (0.00074%); highest among the groups gnomAD compares: Admixed American, 0.0017%; no homozygotes.

Submissions 1 to 7 of 13:

Labcorp Genetics (formerly Invitae), Labcorp
Classification: Uncertain significance for Hereditary breast ovarian cancer syndrome. Last evaluated: 2025-12-09. Review status: criteria provided, single submitter. Criteria: Invitae Variant Classification Sherloc (09022015). Collection method: clinical testing. Allele origin: germline.
Comment: This sequence change replaces threonine, which is neutral and polar, with methionine, which is neutral and non-polar, at codon 2542 of the BRCA2 protein (p.Thr2542Met). The frequency data for this variant in the population databases is considered unreliable, as metrics indicate poor data quality at this position in the gnomAD database. This missense change has been observed in individual(s) with breast cancer, esophageal squamous cell carcinoma, and/or Fanconi anemia (PMID: 17724471, 30982232, 32947577). ClinVar contains an entry for this variant (Variation ID: 96854). Invitae Evidence Modeling of protein sequence and biophysical properties (such as structural, functional, and spatial information, amino acid conservation, physicochemical variation, residue mobility, and thermodynamic stability) indicates that this missense variant is not expected to disrupt BRCA2 protein function with a negative predictive value of 95%. In summary, the available evidence is currently insufficient to determine the role of this variant in disease. Therefore, it has been classified as a Variant of Uncertain Significance.

Quest Diagnostics Nichols Institute San Juan Capistrano
Classification: Uncertain significance. Last evaluated: 2025-10-30. Review status: criteria provided, single submitter. Criteria: Quest Diagnostics criteria. Collection method: clinical testing. Allele origin: unknown.
Comment: The BRCA2 c.7625C>T (p.Thr2542Met) variant has been reported in the published literature in individuals with a personal and/or family history of breast cancer (PMID: 33471991 (2021), 30982232 (2019), 22072316 (2012), see also LOVD), esophageal squamous cell carcinoma (PMID: 17724471 (2008)), and reportedly unaffected individuals (PMID: 33471991 (2021), 32467295 (2020), see also LOVD). Additionally, this variant showed benign effects in saturation genome editing assays measuring DNA repair-dependent cell survival (PMIDs: 39779848 (2025), 39779857 (2025)). The frequency of this variant in the general population (Genome Aggregation Database) is uninformative in the assessment of its pathogenicity. Analysis of this variant using bioinformatics tools for the prediction of the effect of amino acid changes on protein structure and function yielded predictions that this variant is benign. Based on the available information, we are unable to determine the clinical significance of this variant.

Color Diagnostics, LLC DBA Color Health
Classification: Uncertain significance for Hereditary cancer-predisposing syndrome. Last evaluated: 2025-04-01. Review status: criteria provided, single submitter. Criteria: ACMG Guidelines, 2015. Collection method: clinical testing. Allele origin: germline.
Comment: This missense variant replaces threonine with methionine at codon 2542 of the BRCA2 protein. Computational prediction suggests that this variant may not impact protein structure and function. To our knowledge, functional studies have not been reported for this variant. This variant has been reported in individuals with a personal or family history of breast or ovarian cancer, and in an individual affected with esophageal cancer (PMID: 16760289, 1772447, 30982232). In a large breast cancer case-control study conducted by the BRIDGES consortium, this variant was reported in 5/60466 cases and 3/53461 unaffected controls, showing inconclusive association with disease (OR= 1.474 (95%CI 0.352 to 6.167)); p-value= 0.731; Leiden Open Variation Database DB-ID BRCA2_008612) (PMID: 33471991). This variant has been identified in 1/250756 chromosomes in the general population by the Genome Aggregation Database (gnomAD). The available evidence is insufficient to determine the role of this variant in disease conclusively. Therefore, this variant is classified as a Variant of Uncertain Significance.

All of Us Research Program, National Institutes of Health
Classification: Uncertain significance for BRCA2-related cancer predisposition. Last evaluated: 2024-09-23. Review status: criteria provided, single submitter. Criteria: ACMG Guidelines, 2015. Collection method: clinical testing. Allele origin: germline. Inheritance: Autosomal dominant inheritance. Observed: 3 variant alleles, 3 heterozygotes.
Comment: This study involves interpretation of variants in research participants for the purpose of population health screening. Participant phenotype was not available at the time of variant classification. Additional details can be found in publication PMID: 35346344, PMCID: PMC8962531

Mendelics
Classification: Likely benign for Hereditary cancer. Last evaluated: 2024-09-11. Review status: criteria provided, single submitter. Criteria: ACMG Guidelines, 2015. Collection method: clinical testing. Allele origin: unknown.
Comment: This variant is considered likely benign or benign based on one or more of the following: it is predicted to be benign by multiple in silico algorithms, and/or has population frequency not consistent with disease, and/or has normal protein function, and/or has lack of segregation with disease, and/or has been detected in co-occurrence with known pathogenic variant, and/or has lack of disease association in case-control studies, and/or is located in a region inconsistent with a known cause of pathogenicity.

Baylor Genetics
Classification: Uncertain significance for Familial cancer of breast. Last evaluated: 2024-03-10. Review status: criteria provided, single submitter. Criteria: ACMG Guidelines, 2015. Collection method: clinical testing. Allele origin: unknown.

GeneDx
Classification: Uncertain significance. Last evaluated: 2024-03-06. Review status: criteria provided, single submitter. Criteria: GeneDx Variant Classification Process June 2021. Collection method: clinical testing. Allele origin: germline. Affected: yes.
Comment: Observed in patients with personal or family history of breast/ovarian cancer and in unaffected/cancer-free individuals (PMID: 16760289, 33471991, 32467295); Not observed at significant frequency in large population cohorts (gnomAD); In silico analysis supports that this missense variant does not alter protein structure/function; Also known as 7853C>T; This variant is associated with the following publications: (PMID: 17724471, 22072316, 22425665, 16760289, 12228710, 33471991, 35464868, 29884841, 31853058, 32467295, 32947577)

NM_000059.4(BRCA2):c.7625C>T (p.Thr2542Met)

Gene: BRCA2 (BRCA2 DNA repair associated; plus strand). Cytogenetic location: 13q13.1.
Variant type: single nucleotide variant.
Coding change: c.7625C>T on transcript NM_000059.4 (MANE Select); coding-DNA position 7625, C replaced by T.
Protein change: p.Thr2542Met; replaces threonine 2542 with methionine.
Molecular consequence: missense variant.
Genome position (GRCh38, 1-based): chr13:32,357,749, C>T. VCF-style: chr13-32357749-C-T. GRCh37 (hg19) VCF-style: chr13-32931886-C-T.
Other names: NP_000050.3:p.Thr2542Met; short protein forms T2542M.
Identifiers: ClinVar variation 96854 (VCV000096854.56), dbSNP rs80358989, ClinGen allele CA025196.